The following is an entry in ClinVar:

NM_002113.3(CFHR1):c.35G>A (p.Arg12Gln)

Gene: CFHR1 (complement factor H related 1; plus strand). Cytogenetic location: 1q31.3.
Variant type: single nucleotide variant.
Coding change: c.35G>A on transcript NM_002113.3 (MANE Select); coding-DNA position 35, G replaced by A.
Protein change: p.Arg12Gln; replaces arginine 12 with glutamine.
Molecular consequence: missense variant.
Genome position (GRCh38, 1-based): chr1:196,819,879, G>A. VCF-style: chr1-196819879-G-A. GRCh37 (hg19) VCF-style: chr1-196789009-G-A.
Other names: p.Arg12Gln; c.35G>A, p.Arg12Gln (NM_001379306.1, NM_001379307.1, NM_001379308.1 and 4 more transcripts); short protein forms R12Q.
Identifiers: ClinVar variation 3380338 (VCV003380338.1).

ClinVar aggregate classification (germline): Uncertain significance (1 of 4 stars; one submission).

Submission:

Mayo Clinic Laboratories, Mayo Clinic
Classification: Uncertain significance. Last evaluated: 2024-02-12. Review status: criteria provided, single submitter. Criteria: ACMG Guidelines, 2015. Collection method: clinical testing. Allele origin: germline. Observed: 1 variant allele.
Comment: BP4

Literature cited by the submitters: PubMed 37864681.